The following is an entry in ClinVar:

ClinVar aggregate classification (germline): Likely benign (0 of 4 stars; one submission).

Conditions:
EPPK1-related disorder. Also called: EPPK1-related condition.

Allele frequency attached by ClinVar (database versions not stated): ESP Exome Variant Server 0.00016; ExAC 0.00030.
gnomAD v4.1: 769 of 1,612,958 alleles (0.048%); highest among the groups gnomAD compares: Non-Finnish European, 0.059%; no homozygotes.

Submission:

PreventionGenetics, part of Exact Sciences
Classification: Likely benign for EPPK1-related condition. Last evaluated: 2021-08-12. Review status: no assertion criteria provided. Collection method: clinical testing. Allele origin: germline.
Comment: This variant is classified as likely benign based on ACMG/AMP sequence variant interpretation guidelines (Richards et al. 2015 PMID: 25741868, with internal and published modifications).

NM_031308.4(EPPK1):c.6606G>A (p.Thr2202=)

Gene: EPPK1 (epiplakin 1; minus strand). Cytogenetic location: 8q24.3.
Variant type: single nucleotide variant.
Coding change: c.6606G>A on transcript NM_031308.4 (MANE Select); coding-DNA position 6606, G replaced by A.
Protein change: p.Thr2202=; no amino-acid change (threonine 2202 retained).
Molecular consequence: synonymous variant.
Genome position (GRCh38, 1-based): chr8:143,866,648, C>T on the plus strand (G>A on the coding strand, the complement: EPPK1 is on the minus strand). VCF-style: chr8-143866648-C-T. GRCh37 (hg19) VCF-style: chr8-144940816-C-T.
Identifiers: ClinVar variation 3051985 (VCV003051985.2), dbSNP rs373331126, ClinGen allele CA4921676.